The following is an entry in ClinVar:

ClinVar aggregate classification (germline): Conflicting classifications of pathogenicity. Review status: criteria provided, conflicting classifications (1 of 4 stars). 5 submissions from 5 submitters: Pathogenic (1); Likely pathogenic (1); Uncertain significance (1). 2 of the submissions do not count toward it. Last evaluated 2026-04-22.

Conditions:
Inborn genetic diseases. Identifiers: MedGen C0950123, MeSH D030342.
Pyruvate dehydrogenase E1-alpha deficiency (PDHAD). Also called: ATAXIA, INTERMITTENT, WITH PYRUVATE DEHYDROGENASE DEFICIENCY; ATAXIA WITH LACTIC ACIDOSIS I; ATAXIA, INTERMITTENT, WITH ABNORMAL PYRUVATE METABOLISM; Ataxia, intermittent, with pyruvate dehydrogenase, or decarboxylase, deficiency. Identifiers: Orphanet 79243, MedGen C1839413, MONDO:0010717, OMIM 312170.

Submissions (5):

Ambry Genetics
Classification: Likely pathogenic for Inborn genetic diseases. Last evaluated: 2026-04-22. Review status: criteria provided, single submitter. Criteria: Ambry Variant Classification Scheme 2023. Collection method: clinical testing. Allele origin: germline.
Comment: The c.788G>C (p.R263P) alteration is located in exon 8 (coding exon 8) of the PDHA1 gene. This alteration results from a G to C substitution at nucleotide position 788, causing the arginine (R) at amino acid position 263 to be replaced by a proline (P). This variant was not reported in population-based cohorts in the Genome Aggregation Database (gnomAD). This variant was determined to be de novo in at least one individual with features consistent with Pyruvate dehydrogenase E1-alpha deficiency (Verma, 2024). This amino acid position is highly conserved in available vertebrate species. This missense variant is located in a region that has a low rate of benign missense variation (Lek, 2016; Firth, 2009). This alteration is predicted to be deleterious by in silico analysis. Based on the available evidence, this alteration is classified as likely pathogenic.

Genomic Medicine Center of Excellence, King Faisal Specialist Hospital and Research Centre
Classification: Uncertain significance for Pyruvate dehydrogenase E1-alpha deficiency. Last evaluated: 2024-03-29. Review status: criteria provided, single submitter. Criteria: ACMG Guidelines, 2015. Collection method: clinical testing. Allele origin: germline.

GeneDx
Classification: Pathogenic. Last evaluated: 2022-09-27. Review status: criteria provided, single submitter. Criteria: GeneDx Variant Classification Process June 2021. Collection method: clinical testing. Allele origin: germline. Affected: yes.
Comment: In silico analysis supports that this missense variant has a deleterious effect on protein structure/function; Not observed at significant frequency in large population cohorts (gnomAD); Has not been previously published as pathogenic or benign to our knowledge; This variant is associated with the following publications: (PMID: 34758253)

PDHA1 Study Group, University Children’s Hospital, Paracelsus Medical University
Classification: Pathogenic for Pyruvate dehydrogenase E1-alpha deficiency. Last evaluated: 2024-10-15. Review status: no assertion criteria provided. Collection method: research. Allele origin: germline. Affected: yes. Observed: 1 variant allele. Not counted in ClinVar's aggregate classification.
Comment: The NM_000284.3:c.788G>C (p.Arg263Pro) substitution is a missense variant in PDHA1 gene. The variant has been reported in 1 published case (PMIDs: 23021068). Last literature search: July 12, 2024. This variant is absent or extremely rare in population-based cohorts in the Genome Aggregation Database (gnomAD). Individuals harboring this variant presented with clinical features compatible with PDHA1-related PDHc deficiency. In summary, this variant meets criteria to be classified as pathogenic (P) for PDHA1-related PDHc deficiency based on the ACMG/AMP criteria applied: PS3, PM1, PM2, PM5, PM7, PP3 (last assessment October 15, 2024).

Genomics England Pilot Project, Genomics England
Classification: Pathogenic for Pyruvate dehydrogenase E1-alpha deficiency. Review status: no assertion criteria provided. Criteria: ACGS Guidelines, 2016. Collection method: clinical testing. Allele origin: germline. Affected: yes. Not counted in ClinVar's aggregate classification.

Literature cited by the submitters: PubMed 37688338 (cited by Ambry Genetics); PubMed 39102617 (cited by Ambry Genetics); PubMed 23021068 (cited by PDHA1 Study Group, University Children’s Hospital, Paracelsus Medical University); DOI 10.1093/brain/awaf430 (cited by PDHA1 Study Group, University Children’s Hospital, Paracelsus Medical University).

NM_000284.4(PDHA1):c.788G>C (p.Arg263Pro)

Gene: PDHA1 (pyruvate dehydrogenase E1 subunit alpha 1; plus strand). Cytogenetic location: Xp22.12.
Variant type: single nucleotide variant.
Coding change: c.788G>C on transcript NM_000284.4 (MANE Select); coding-DNA position 788, G replaced by C.
Protein change: p.Arg263Pro; replaces arginine 263 with proline.
Molecular consequence: missense variant.
Genome position (GRCh38, 1-based): chrX:19,355,714, G>C. VCF-style: chrX-19355714-G-C. GRCh37 (hg19) VCF-style: chrX-19373832-G-C.
Other names: c.902G>C, p.Arg301Pro (NM_001173454.2); c.809G>C, p.Arg270Pro (NM_001173455.2); c.695G>C, p.Arg232Pro (NM_001173456.2); short protein forms R232P, R263P, R270P, R301P.
Identifiers: ClinVar variation 1184474 (VCV001184474.7), dbSNP rs2063192428, ClinGen allele CA412394774.
Genomic context (GRCh38, chrX:19,355,714, plus strand): 5'-TCATGCTTCGCCCCTCCCCTGTTTATTACCAGGTGGATGGAATGGATATCCTGTGCGTCC[G>C]AGAGGCAACAAGGTTTGCTGCTGCCTATTGTAGATCTGGGAAGGTAAGGCTCTAAAGCCC-3'
Protein context (NP_000275.1, residues 253-273): RVDGMDILCV[Arg263Pro]EATRFAAAYC